The following is an entry in ClinVar:

NM_023067.4(FOXL2):c.1095del (p.Ser365fs)

Gene: FOXL2 (forkhead box L2; minus strand). Cytogenetic location: 3q22.3.
Variant type: Deletion.
Coding change: c.1095del on transcript NM_023067.4 (MANE Select); coding-DNA position 1095, one base deleted (C; older notation c.1095delC).
Protein change: p.Ser365fs; shifts the reading frame from serine 365.
Molecular consequence: frameshift variant.
Genome position (GRCh38, 1-based): chr3:138,945,628, G deleted on the plus strand (C on the coding strand, the reverse complement: FOXL2 is on the minus strand). VCF-style (leftmost placement, unchanged base first): chr3-138945627-TG-T. GRCh37 (hg19) VCF-style: chr3-138664469-TG-T.
Other names: short protein forms S365fs.
Identifiers: ClinVar variation 4731911 (VCV004731911.1).
Genomic context (GRCh38, chr3:138,945,627, plus strand): 5'-GTCTGCACCGGCATGCGGTGGGCTCTCAGAGATCGAGGCGCGAATGCAGCGCGCCGGTCT[TG>T]CTGTCGTGGTCCCAGTAAGAGCAATGCATCATGGCGAGCTCGGGCTGCCGGGCACAAGCG-3'

ClinVar aggregate classification (germline): Pathogenic (1 of 4 stars; one submission).

Submission:

Labcorp Genetics (formerly Invitae), Labcorp
Classification: Pathogenic. Last evaluated: 2025-11-25. Review status: criteria provided, single submitter. Criteria: Invitae Variant Classification Sherloc (09022015). Collection method: clinical testing. Allele origin: germline.
Comment: This sequence change is expected to alter the c-terminus of the FOXL2 protein (p.Ser365Argfs*86). While this is not anticipated to result in nonsense mediated decay, it is expected to disrupt the last 12 amino acid(s) of the FOXL2 protein and extend the protein by 73 additional amino acid residues. This variant is not present in population databases (gnomAD no frequency). This frameshift has been observed in individual(s) with Blepharophimosis (internal data). This variant disrupts the C-terminus of the FOXL2 protein. Other variant(s) that disrupt this region (p.*377Leuext*156, p.Leu376Profs*154) have been observed in individuals with FOXL2-related conditions (PMID: 12529855, 18642388). This suggests that this may be a clinically significant region of the protein. For these reasons, this variant has been classified as Pathogenic.

Literature cited by the submitters: PubMed 12529855; PubMed 18642388.